The following is an entry in ClinVar:

ClinVar aggregate classification (germline): Uncertain significance (1 of 4 stars; one submission).

Submission:

Women's Health and Genetics/Laboratory Corporation of America, LabCorp
Classification: Uncertain significance. Last evaluated: 2025-07-17. Review status: criteria provided, single submitter. Criteria: LabCorp Variant Classification Summary - May 2015. Collection method: clinical testing. Allele origin: germline.
Comment: Variant summary: SMPD1 c.1289C>G (p.Pro430Arg) results in a non-conservative amino acid change in the encoded protein sequence. Algorithms developed to predict the effect of missense changes on protein structure and function all suggest that this variant is likely to be disruptive. The variant allele was found at a frequency of 4e-06 in 249074 control chromosomes. The available data on variant occurrences in the general population are insufficient to allow any conclusion about variant significance. To our knowledge, no occurrence of c.1289C>G in individuals affected with Niemann-Pick Disease and no experimental evidence demonstrating its impact on protein function have been reported. No submitters have cited clinical-significance assessments for this variant to ClinVar. Based on the evidence outlined above, the variant was classified as uncertain significance.

NM_000543.5(SMPD1):c.1289C>G (p.Pro430Arg)

Gene: SMPD1 (sphingomyelin phosphodiesterase 1; plus strand). Cytogenetic location: 11p15.4.
Variant type: single nucleotide variant.
Coding change: c.1289C>G on transcript NM_000543.5 (MANE Select); coding-DNA position 1289, C replaced by G.
Protein change: p.Pro430Arg; replaces proline 430 with arginine.
Molecular consequence: missense variant. On other transcripts: non-coding transcript variant (2).
Genome position (GRCh38, 1-based): chr11:6,393,642, C>G. VCF-style: chr11-6393642-C-G. GRCh37 (hg19) VCF-style: chr11-6414872-C-G.
Other names: c.1286C>G, p.Pro429Arg (NM_001007593.3); c.1289C>G, p.Pro430Arg (NM_001318087.2); c.368C>G, p.Pro123Arg (NM_001318088.2); c.1157C>G, p.Pro386Arg (NM_001365135.2); short protein forms P123R, P430R, P386R, P429R.
Identifiers: ClinVar variation 4525822 (VCV004525822.1).